The following is an entry in ClinVar:

NC_000002.11:g.(?_238233407)_(238305470_?)dup

Gene: COL6A3 (collagen type VI alpha 3 chain; minus strand). Cytogenetic location: 2q37.3.
Variant type: Duplication.
Identifiers: ClinVar variation 1011074 (VCV001011074.1).

ClinVar aggregate classification (germline): Uncertain significance (1 of 4 stars; one submission).

Conditions:
Bethlem myopathy 1A. Also called: Bethlem Muscular Dystrophy; MYOPATHY, BENIGN CONGENITAL, WITH CONTRACTURES; Bethlem myopathy 1. Identifiers: Orphanet 610, MedGen CN029274, MONDO:0024530, OMIM 158810.

Submission:

Labcorp Genetics (formerly Invitae), Labcorp
Classification: Uncertain significance for Bethlem myopathy 1A. Last evaluated: 2020-09-15. Review status: criteria provided, single submitter. Criteria: Invitae Variant Classification Sherloc (09022015). Collection method: clinical testing. Allele origin: germline.
Comment: A gross duplication of the genomic region encompassing the full coding sequence of the COL6A3 gene has been identified. The boundaries of this event are unknown as the duplication extends beyond the assayed region for this gene and therefore may encompass additional genes. As the precise location of this duplication is unknown, it may be in tandem or it may be located elsewhere in the genome. This copy number variant has not been reported in the literature in individuals with COL6A3-related disease. Experimental studies are not available for this variant, and the functional significance of the additional copy of the COL6A3 gene is currently unknown. In summary, the available evidence is currently insufficient to determine the role of this variant in disease. Therefore, it has been classified as a Variant of Uncertain Significance.